The following is an entry in ClinVar:

ClinVar aggregate classification (germline): Uncertain significance (1 of 4 stars; one submission).

gnomAD v4.1: 1 of 1,614,158 alleles (0.000062%); highest among the groups gnomAD compares: Non-Finnish European, 0.000085%; no homozygotes.

Submission:

GeneDx
Classification: Uncertain significance. Last evaluated: 2023-12-21. Review status: criteria provided, single submitter. Criteria: GeneDx Variant Classification Process June 2021. Collection method: clinical testing. Allele origin: germline. Affected: yes.
Comment: Not observed at significant frequency in large population cohorts (gnomAD); In silico analysis supports that this missense variant has a deleterious effect on protein structure/function; Has not been previously published as pathogenic or benign to our knowledge

NM_000875.5(IGF1R):c.3041A>C (p.Tyr1014Ser)

Gene: IGF1R (insulin like growth factor 1 receptor; plus strand). Cytogenetic location: 15q26.3.
Variant type: single nucleotide variant.
Coding change: c.3041A>C on transcript NM_000875.5 (MANE Select); coding-DNA position 3041, A replaced by C.
Protein change: p.Tyr1014Ser; replaces tyrosine 1014 with serine.
Molecular consequence: missense variant.
Genome position (GRCh38, 1-based): chr15:98,934,908, A>C. VCF-style: chr15-98934908-A-C. GRCh37 (hg19) VCF-style: chr15-99478137-A-C.
Other names: c.3038A>C, p.Tyr1013Ser (NM_001291858.2); short protein forms Y1013S, Y1014S.
Identifiers: ClinVar variation 3370016 (VCV003370016.1).
Genomic context (GRCh38, chr15:98,934,908, plus strand): 5'-TGGCTCGGGAGAAGATCACCATGAGCCGGGAACTTGGGCAGGGGTCGTTTGGGATGGTCT[A>C]TGAAGGAGTTGCCAAGGGTGTGGTGAAAGATGAACCTGAAACCAGAGTGGCCATTAAAAC-3'
Protein context (NP_000866.1, residues 1004-1024): ELGQGSFGMV[Tyr1014Ser]EGVAKGVVKD